The following is an entry in ClinVar:

ClinVar aggregate classification (germline): Uncertain significance. Review status: criteria provided, multiple submitters, no conflicts (2 of 4 stars). 2 submissions from 2 submitters: Uncertain significance (2). Last evaluated 2025-04-24.

Conditions:
SBF2-related disorder. Also called: SBF2-related condition.
Charcot-Marie-Tooth disease type 4. Also called: Charcot-Marie-Tooth disease, type IV; Charcot-Marie-Tooth, Type 4. Identifiers: Orphanet 64749, MedGen C4082197, MONDO:0018995.

Allele frequency attached by ClinVar (database versions not stated): TOPMed below 0.00001; gnomAD exomes 0.00001.
gnomAD v4.1: 11 of 1,607,450 alleles (0.00068%); highest among the groups gnomAD compares: Non-Finnish European, 0.00094%; no homozygotes.

Submissions (2):

PreventionGenetics, part of Exact Sciences
Classification: Uncertain significance for SBF2-related condition. Last evaluated: 2025-04-24. Review status: criteria provided, single submitter. Criteria: ACMG Guidelines, 2015. Collection method: clinical testing. Allele origin: germline.
Comment: The SBF2 c.811C>A variant is predicted to result in the amino acid substitution p.Pro271Thr. To our knowledge, this variant has not been reported in the literature. This variant is reported in 0.0018% of alleles in individuals of European (Non-Finnish) descent in gnomAD. At this time, the clinical significance of this variant is uncertain due to the absence of conclusive functional and genetic evidence.

Labcorp Genetics (formerly Invitae), Labcorp
Classification: Uncertain significance for Charcot-Marie-Tooth disease type 4. Last evaluated: 2021-09-24. Review status: criteria provided, single submitter. Criteria: Invitae Variant Classification Sherloc (09022015). Collection method: clinical testing. Allele origin: germline.
Comment: This sequence change replaces proline with threonine at codon 271 of the SBF2 protein (p.Pro271Thr). The proline residue is highly conserved and there is a small physicochemical difference between proline and threonine. This variant is not present in population databases (ExAC no frequency). This variant has not been reported in the literature in individuals with SBF2-related conditions. Algorithms developed to predict the effect of missense changes on protein structure and function are either unavailable or do not agree on the potential impact of this missense change (SIFT: "Deleterious"; PolyPhen-2: "Probably Damaging"; Align-GVGD: "Class C0"). In summary, the available evidence is currently insufficient to determine the role of this variant in disease. Therefore, it has been classified as a Variant of Uncertain Significance.

NM_030962.4(SBF2):c.811C>A (p.Pro271Thr)

Gene: SBF2 (SET binding factor 2; minus strand). Cytogenetic location: 11p15.4.
Variant type: single nucleotide variant.
Coding change: c.811C>A on transcript NM_030962.4 (MANE Select); coding-DNA position 811, C replaced by A.
Protein change: p.Pro271Thr; replaces proline 271 with threonine.
Molecular consequence: missense variant.
Genome position (GRCh38, 1-based): chr11:10,000,964, G>T on the plus strand (C>A on the coding strand, the complement: SBF2 is on the minus strand). VCF-style: chr11-10000964-G-T. GRCh37 (hg19) VCF-style: chr11-10022511-G-T.
Other names: c.811C>A, p.Pro271Thr (NM_001386339.1, NM_001386342.1); c.811C>A (NM_030962.3); short protein forms P271T.
Identifiers: ClinVar variation 1444042 (VCV001444042.6), dbSNP rs1044734721, ClinGen allele CA217656398.